The following is an entry in ClinVar:

ClinVar aggregate classification (germline): Uncertain significance (1 of 4 stars; one submission).

Conditions:
Familial cancer of breast. Also called: BREAST CANCER, FAMILIAL; hereditary breast carcinoma; Hereditary breast cancer. Identifiers: Orphanet 227535, MedGen C0346153, MONDO:0016419, OMIM 114480. Disease mechanism: loss of function.

Submission:

Labcorp Genetics (formerly Invitae), Labcorp
Classification: Uncertain significance for Hereditary Breast Carcinoma. Last evaluated: 2018-09-04. Review status: criteria provided, single submitter. Criteria: Invitae Variant Classification Sherloc (09022015). Collection method: clinical testing. Allele origin: germline.
Comment: This sequence change replaces glycine with glutamic acid at codon 699 of the BARD1 protein (p.Gly699Glu). The glycine residue is highly conserved and there is a moderate physicochemical difference between glycine and glutamic acid. This variant is not present in population databases (ExAC no frequency). This variant has not been reported in the literature in individuals with BARD1-related disease. Algorithms developed to predict the effect of missense changes on protein structure and function (SIFT, PolyPhen-2, Align-GVGD) all suggest that this variant is likely to be disruptive, but these predictions have not been confirmed by published functional studies and their clinical significance is uncertain. In summary, the available evidence is currently insufficient to determine the role of this variant in disease. Therefore, it has been classified as a Variant of Uncertain Significance.

NM_000465.4(BARD1):c.2096G>A (p.Gly699Glu)

Gene: BARD1 (BRCA1 associated RING domain 1; minus strand). Cytogenetic location: 2q35.
Variant type: single nucleotide variant.
Coding change: c.2096G>A on transcript NM_000465.4 (MANE Select); coding-DNA position 2096, G replaced by A.
Protein change: p.Gly699Glu; replaces glycine 699 with glutamic acid.
Molecular consequence: missense variant. On other transcripts: non-coding transcript variant (3).
Genome position (GRCh38, 1-based): chr2:214,728,914, C>T on the plus strand (G>A on the coding strand, the complement: BARD1 is on the minus strand). VCF-style: chr2-214728914-C-T. GRCh37 (hg19) VCF-style: chr2-215593638-C-T.
Other names: c.2039G>A, p.Gly680Glu (NM_001282543.2); c.743G>A, p.Gly248Glu (NM_001282545.2); c.686G>A, p.Gly229Glu (NM_001282548.2); c.557G>A, p.Gly186Glu (NM_001282549.2); short protein forms G229E, G248E, G186E, G680E, G699E.
Identifiers: ClinVar variation 662805 (VCV000662805.2), dbSNP rs1196348283, ClinGen allele CA350450629.